The following is an entry in ClinVar:

NM_014361.4(CNTN5):c.1060C>A (p.Leu354Met)

Gene: CNTN5 (contactin 5; plus strand). Cytogenetic location: 11q22.1.
Variant type: single nucleotide variant.
Coding change: c.1060C>A on transcript NM_014361.4 (MANE Select); coding-DNA position 1060, C replaced by A.
Protein change: p.Leu354Met; replaces leucine 354 with methionine.
Molecular consequence: missense variant.
Genome position (GRCh38, 1-based): chr11:100,061,291, C>A. VCF-style: chr11-100061291-C-A. GRCh37 (hg19) VCF-style: chr11-99932023-C-A.
Other names: c.1060C>A, p.Leu354Met (NM_001243270.2, NM_001243271.2); c.838C>A, p.Leu280Met (NM_175566.2); short protein forms L280M, L354M.
Identifiers: ClinVar variation 2236951 (VCV002236951.5), dbSNP rs200224105, ClinGen allele CA6242309.

ClinVar aggregate classification (germline): Uncertain significance. Review status: criteria provided, single submitter (1 of 4 stars). 2 submissions from 2 submitters: Uncertain significance (1). 1 of the submissions does not count toward it. Last evaluated 2025-07-12.

Conditions:
CNTN5-related disorder. Also called: CNTN5-related condition.

Allele frequency attached by ClinVar (database versions not stated): ExAC 0.00006; ESP Exome Variant Server 0.00008; gnomAD 0.00009; gnomAD exomes 0.00009; TOPMed 0.00011.
gnomAD v4.1: 157 of 1,613,494 alleles (0.0097%); highest among the groups gnomAD compares: Middle Eastern, 0.033%; no homozygotes.

Submissions (2):

Ambry Genetics
Classification: Uncertain significance. Last evaluated: 2025-07-12. Review status: criteria provided, single submitter. Criteria: Ambry Variant Classification Scheme 2023. Collection method: clinical testing. Allele origin: germline.

PreventionGenetics, part of Exact Sciences
Classification: Likely benign for CNTN5-related condition. Last evaluated: 2023-06-21. Review status: no assertion criteria provided. Collection method: clinical testing. Allele origin: germline. Not counted in ClinVar's aggregate classification.
Comment: This variant is classified as likely benign based on ACMG/AMP sequence variant interpretation guidelines (Richards et al. 2015 PMID: 25741868, with internal and published modifications).